The following is an entry in ClinVar:

ClinVar aggregate classification (germline): Uncertain significance (1 of 4 stars; one submission).

Conditions:
Cardiomyopathy (CMYO). Also called: Cardiomyopathies. Identifiers: Orphanet 167848, MedGen C0878544, MONDO:0004994, HP:0001638. Inheritance: Various modes of inheritance.

Allele frequency attached by ClinVar (database versions not stated): TOPMed below 0.00001; gnomAD exomes 0.00001.
gnomAD v4.1: 3 of 1,606,350 alleles (0.00019%); highest among the groups gnomAD compares: Non-Finnish European, 0.00026%; no homozygotes.

Submission:

Color Diagnostics, LLC DBA Color Health
Classification: Uncertain significance for Cardiomyopathy. Last evaluated: 2024-03-06. Review status: criteria provided, single submitter. Criteria: ACMG Guidelines, 2015. Collection method: clinical testing. Allele origin: germline.
Comment: This missense variant replaces histidine with arginine at codon 2995 of the RYR2 protein. Computational prediction suggests that this variant may have deleterious impact on protein structure and function (internally defined REVEL score threshold >= 0.7, PMID: 27666373). Splice site prediction tools suggest that this variant may not impact RNA splicing. To our knowledge, functional studies have not been performed for this variant. This variant has not been reported in individuals affected with cardiovascular disorders in the literature. This variant has not been identified in the general population by the Genome Aggregation Database (gnomAD). The available evidence is insufficient to determine the role of this variant in disease conclusively. Therefore, this variant is classified as a Variant of Uncertain Significance.

NM_001035.3(RYR2):c.8984A>G (p.His2995Arg)

Gene: RYR2 (ryanodine receptor 2; plus strand). Cytogenetic location: 1q43.
Variant type: single nucleotide variant.
Coding change: c.8984A>G on transcript NM_001035.3 (MANE Select); coding-DNA position 8984, A replaced by G.
Protein change: p.His2995Arg; replaces histidine 2995 with arginine.
Molecular consequence: missense variant.
Genome position (GRCh38, 1-based): chr1:237,680,544, A>G. VCF-style: chr1-237680544-A-G. GRCh37 (hg19) VCF-style: chr1-237843844-A-G.
Other names: short protein forms H2995R.
Identifiers: ClinVar variation 920802 (VCV000920802.4), dbSNP rs1685783884, ClinGen allele CA345404536.